The following is an entry in ClinVar:

ClinVar aggregate classification (germline): Uncertain significance (1 of 4 stars; one submission).

Conditions:
Autosomal recessive limb-girdle muscular dystrophy type 2Q (LGMDR17). Also called: MUSCULAR DYSTROPHY, LIMB-GIRDLE, AUTOSOMAL RECESSIVE 17. Identifiers: Orphanet 254361, MedGen C3150989, MONDO:0013390, OMIM 613723.
Epidermolysis bullosa simplex with nail dystrophy (EBS5D). Identifiers: MedGen C4225309, MONDO:0014661, OMIM 616487.
Epidermolysis bullosa simplex 5C, with pyloric atresia (EBS5C). Also called: PLEC-Related Epidermolysis Bullosa with Pyloric Atresia; Epidermolysis bullosa simplex with pyloric atresia; PLEC1-Related Epidermolysis Bullosa with Pyloric Atresia. Identifiers: Orphanet 158684, MedGen C2677349, MONDO:0012807, OMIM 612138.
Epidermolysis bullosa simplex, Ogna type (EBS5A). Also called: Pidermolysis bullosa simplex 5A, Ogna type; EPIDERMOLYSIS BULLOSA SIMPLEX 5A, OGNA TYPE. Identifiers: Orphanet 79401, MedGen C0432317, MONDO:0007555, OMIM 131950.
Epidermolysis bullosa simplex 5B, with muscular dystrophy (EBS5B). Also called: Epidermolysis bullosa simplex with muscular dystrophy; EPIDERMOLYSIS BULLOSA SIMPLEX AND LIMB-GIRDLE MUSCULAR DYSTROPHY. Identifiers: Orphanet 257, MedGen C2931072, MONDO:0009181, OMIM 226670.

Allele frequency attached by ClinVar (database versions not stated): TOPMed 0.00001.
gnomAD v4.1: 4 of 1,607,894 alleles (0.00025%); highest among the groups gnomAD compares: East Asian, 0.0067%; no homozygotes.

Submission:

Labcorp Genetics (formerly Invitae), Labcorp
Classification: Uncertain significance for Autosomal recessive limb-girdle muscular dystrophy type 2Q; Epidermolysis bullosa simplex, Ogna type; Epidermolysis bullosa simplex with nail dystrophy; Epidermolysis bullosa simplex 5C, with pyloric atresia; Epidermolysis bullosa simplex 5B, with muscular dystrophy. Last evaluated: 2020-07-09. Review status: criteria provided, single submitter. Criteria: Invitae Variant Classification Sherloc (09022015). Collection method: clinical testing. Allele origin: germline.
Comment: Algorithms developed to predict the effect of missense changes on protein structure and function are either unavailable or do not agree on the potential impact of this missense change (SIFT: "Tolerated"; PolyPhen-2: "Not Available"; Align-GVGD: "Class C0"). This sequence change replaces aspartic acid with glutamic acid at codon 443 of the PLEC protein (p.Asp443Glu). The aspartic acid residue is moderately conserved and there is a small physicochemical difference between aspartic acid and glutamic acid. This variant is present in population databases (rs572481168, ExAC 0.002%). This variant has not been reported in the literature in individuals with PLEC-related conditions. In summary, the available evidence is currently insufficient to determine the role of this variant in disease. Therefore, it has been classified as a Variant of Uncertain Significance.

NM_201384.3(PLEC):c.1248C>A (p.Asp416Glu)

Genes: PLEC (plectin; minus strand), LOC130001334 (ATAC-STARR-seq lymphoblastoid silent region 19628; plus strand). Cytogenetic location: 8q24.3.
Variant type: single nucleotide variant.
Coding change: c.1248C>A on transcript NM_201384.3 (MANE Select); coding-DNA position 1248, C replaced by A.
Protein change: p.Asp416Glu; replaces aspartic acid 416 with glutamic acid.
Molecular consequence: missense variant.
Genome position (GRCh38, 1-based): chr8:143,934,013, G>T on the plus strand (C>A on the coding strand, the complement: PLEC is on the minus strand). VCF-style: chr8-143934013-G-T. GRCh37 (hg19) VCF-style: chr8-145008181-G-T.
Other names: c.1329C>A, p.Asp443Glu (NM_000445.5); c.1206C>A, p.Asp402Glu (NM_201378.4); c.1182C>A, p.Asp394Glu (NM_201379.3); c.1659C>A, p.Asp553Glu (NM_201380.4); c.1152C>A, p.Asp384Glu (NM_201381.3); c.1248C>A, p.Asp416Glu (NM_201382.4); c.1260C>A, p.Asp420Glu (NM_201383.3); short protein forms D384E, D394E, D402E, D416E, D420E, D443E, D553E.
Identifiers: ClinVar variation 998588 (VCV000998588.5), dbSNP rs572481168, ClinGen allele CA4928088.